The following is an entry in ClinVar:

NM_017514.5(PLXNA3):c.4707C>T (p.Asp1569=)

Gene: PLXNA3 (plexin A3; plus strand). Cytogenetic location: Xq28.
Variant type: single nucleotide variant.
Coding change: c.4707C>T on transcript NM_017514.5 (MANE Select); coding-DNA position 4707, C replaced by T.
Protein change: p.Asp1569=; no amino-acid change (aspartic acid 1569 retained).
Molecular consequence: synonymous variant.
Genome position (GRCh38, 1-based): chrX:154,469,696, C>T. VCF-style: chrX-154469696-C-T. GRCh37 (hg19) VCF-style: chrX-153698039-C-T.
Identifiers: ClinVar variation 3054393 (VCV003054393.2), dbSNP rs782458950, ClinGen allele CA10564943.

ClinVar aggregate classification (germline): Likely benign (0 of 4 stars; one submission).

Conditions:
PLXNA3-related disorder. Also called: PLXNA3-related condition.

Allele frequency attached by ClinVar (database versions not stated): ExAC 0.00001; TOPMed 0.00002; gnomAD 0.00003; gnomAD exomes 0.00006; 1000 Genomes Project 30x 0.00021; 1000 Genomes Project 0.00026.
gnomAD v4.1: 64 of 1,207,419 alleles (0.0053%); highest among the groups gnomAD compares: Non-Finnish European, 0.0065%; no homozygotes.

Submission:

PreventionGenetics, part of Exact Sciences
Classification: Likely benign for PLXNA3-related condition. Last evaluated: 2023-10-17. Review status: no assertion criteria provided. Collection method: clinical testing. Allele origin: germline.
Comment: This variant is classified as likely benign based on ACMG/AMP sequence variant interpretation guidelines (Richards et al. 2015 PMID: 25741868, with internal and published modifications).